The following is an entry in ClinVar:

ClinVar aggregate classification (germline): Uncertain significance (1 of 4 stars; one submission).

Conditions:
Early-infantile DEE. Also called: Ohtahara syndrome; Early infantile epileptic encephalopathy with suppression bursts; Early infantile epileptic encephalopathy. Identifiers: Orphanet 1934, MedGen C0393706, MONDO:0800491.

Submission:

Labcorp Genetics (formerly Invitae), Labcorp
Classification: Uncertain significance for Early-infantile DEE. Last evaluated: 2020-06-25. Review status: criteria provided, single submitter. Criteria: Invitae Variant Classification Sherloc (09022015). Collection method: clinical testing. Allele origin: germline.
Comment: In summary, the available evidence is currently insufficient to determine the role of this variant in disease. Therefore, it has been classified as a Variant of Uncertain Significance. Algorithms developed to predict the effect of missense changes on protein structure and function (SIFT, PolyPhen-2, Align-GVGD) all suggest that this variant is likely to be tolerated, but these predictions have not been confirmed by published functional studies and their clinical significance is uncertain. This variant has not been reported in the literature in individuals with CACNA2D2-related conditions. This variant is not present in population databases (ExAC no frequency). This sequence change replaces leucine with valine at codon 961 of the CACNA2D2 protein (p.Leu961Val). The leucine residue is highly conserved and there is a small physicochemical difference between leucine and valine.

NM_006030.4(CACNA2D2):c.2881C>G (p.Leu961Val)

Genes: CACNA2D2 (calcium voltage-gated channel auxiliary subunit alpha2delta 2; minus strand), LOC101928965 (uncharacterized LOC101928965; plus strand), LOC127898564 (CYB561D2-LOC101928965; plus strand). Cytogenetic location: 3p21.31.
Variant type: single nucleotide variant.
Coding change: c.2881C>G on transcript NM_006030.4 (MANE Select); coding-DNA position 2881, C replaced by G.
Protein change: p.Leu961Val; replaces leucine 961 with valine.
Molecular consequence: missense variant. On other transcripts: non-coding transcript variant (1).
Genome position (GRCh38, 1-based): chr3:50,365,844, G>C on the plus strand (C>G on the coding strand, the complement: CACNA2D2 is on the minus strand). VCF-style: chr3-50365844-G-C. GRCh37 (hg19) VCF-style: chr3-50403275-G-C.
Other names: c.2881C>G, p.Leu961Val (NM_001005505.3); c.2902C>G, p.Leu968Val (NM_001174051.3); c.2674C>G, p.Leu892Val (NM_001291101.1); short protein forms L892V, L961V, L968V.
Identifiers: ClinVar variation 1009548 (VCV001009548.6), dbSNP rs1704237823, ClinGen allele CA352903626.
Genomic context (GRCh38, chr3:50,365,844, plus strand): 5'-CTACCCACCTCCCGCTCAGGACTCACCAGGCGGCAGCAGAGGTCCACCAGGCCAGGTTAA[G>C]GAAATCTGCAACGGTGGGCTGCAGTGGAGAGAGGGGCGTGGACTGCCACTGCTGCCCCTC-3'
Protein context (NP_006021.2, residues 951-971): GVFVPTVADF[Leu961Val]NLAWWTSAAA